The following is an entry in ClinVar:

ClinVar aggregate classification (germline): Likely benign. Review status: criteria provided, single submitter (1 of 4 stars). 3 submissions from 3 submitters: Likely benign (1). 2 of the submissions do not count toward it. Last evaluated 2016-08-31.

Allele frequency attached by ClinVar (database versions not stated): TOPMed 0.00002; gnomAD 0.00003.
gnomAD v4.1: 16 of 1,614,064 alleles (0.00099%); highest among the groups gnomAD compares: East Asian, 0.0022%; no homozygotes.

Submissions (3):

GeneDx
Classification: Likely benign. Last evaluated: 2016-08-31. Review status: criteria provided, single submitter. Criteria: GeneDx Variant Classification (06012015). Collection method: clinical testing. Allele origin: germline. Affected: yes.
Comment: This variant is considered likely benign or benign based on one or more of the following criteria: it is a conservative change, it occurs at a poorly conserved position in the protein, it is predicted to be benign by multiple in silico algorithms, and/or has population frequency not consistent with disease.

Clinical Genetics DNA and cytogenetics Diagnostics Lab, Erasmus MC, Erasmus Medical Center
Classification: Likely benign. Review status: no assertion criteria provided. Collection method: clinical testing. Allele origin: germline. Affected: yes. Study: VKGL Data-share Consensus. Not counted in ClinVar's aggregate classification.

Diagnostic Laboratory, Department of Genetics, University Medical Center Groningen
Classification: Likely benign. Review status: no assertion criteria provided. Collection method: clinical testing. Allele origin: germline. Affected: yes. Study: VKGL Data-share Consensus. Not counted in ClinVar's aggregate classification.

NM_182961.4(SYNE1):c.18186G>A (p.Ser6062=)

Gene: SYNE1 (spectrin repeat containing nuclear envelope protein 1; minus strand). Cytogenetic location: 6q25.2.
Variant type: single nucleotide variant.
Coding change: c.18186G>A on transcript NM_182961.4 (MANE Select); coding-DNA position 18186, G replaced by A.
Protein change: p.Ser6062=; no amino-acid change (serine 6062 retained).
Molecular consequence: synonymous variant.
Genome position (GRCh38, 1-based): chr6:152,283,999, C>T on the plus strand (G>A on the coding strand, the complement: SYNE1 is on the minus strand). VCF-style: chr6-152283999-C-T. GRCh37 (hg19) VCF-style: chr6-152605134-C-T.
Other names: c.17973G>A, p.Ser5991= (NM_033071.5).
Identifiers: ClinVar variation 388697 (VCV000388697.5), dbSNP rs1057523204, ClinGen allele CA16605047.